The following is an entry in ClinVar:

NM_001267550.2(TTN):c.11312-4721A>G

Gene: TTN (titin; minus strand). Cytogenetic location: 2q31.2.
Variant type: single nucleotide variant.
Coding change: c.11312-4721A>G on transcript NM_001267550.2 (MANE Select); 4721 bases into the intron before coding-DNA position 11312, A replaced by G.
Molecular consequence: intron variant. On other transcripts: missense variant (1).
Genome position (GRCh38, 1-based): chr2:178,746,642, T>C on the plus strand (A>G on the coding strand, the complement: TTN is on the minus strand). VCF-style: chr2-178746642-T-C. GRCh37 (hg19) VCF-style: chr2-179611369-T-C.
Other names: c.15758A>G, p.Tyr5253Cys (NM_133379.5); c.10223-4721A>G (NM_003319.4); c.10799-4721A>G (NM_133437.4); c.10598-4721A>G (NM_133432.3); c.10360+6482A>G (NM_133378.4); c.10361-4721A>G (NM_001256850.1); short protein forms Y5253C.
Identifiers: ClinVar variation 3778538 (VCV003778538.7).

ClinVar aggregate classification (germline): Uncertain significance (1 of 4 stars; one submission).

gnomAD v4.1: 1 of 1,613,300 alleles (0.000062%); highest among the groups gnomAD compares: Non-Finnish European, 0.000085%; no homozygotes.

Submission:

CeGaT Center for Human Genetics Tuebingen
Classification: Uncertain significance. Last evaluated: 2025-03-01. Review status: criteria provided, single submitter. Criteria: CeGaT Center For Human Genetics Tuebingen Variant Classification Criteria Version 2. Collection method: clinical testing. Allele origin: germline. Affected: yes. Observed: 1 variant allele.
Comment: TTN: PM2, PP3